The following is an entry in ClinVar:

ClinVar aggregate classification (germline): Uncertain significance (1 of 4 stars; one submission).

Conditions:
Hereditary spastic paraplegia 4. Also called: Spastic paraplegia 4, autosomal dominant; Familial spastic paraplegia autosomal dominant 2; Spastic Paraplegia 4. Identifiers: Orphanet 100985, MedGen C1866855, MONDO:0008438, OMIM 182601.

gnomAD v4.1: 1 of 1,614,070 alleles (0.000062%); highest among the groups gnomAD compares: Non-Finnish European, 0.000085%; no homozygotes.

Submission:

Labcorp Genetics (formerly Invitae), Labcorp
Classification: Uncertain significance for Hereditary spastic paraplegia 4. Last evaluated: 2025-11-09. Review status: criteria provided, single submitter. Criteria: Invitae Variant Classification Sherloc (09022015). Collection method: clinical testing. Allele origin: germline.
Comment: This sequence change replaces proline, which is neutral and non-polar, with arginine, which is basic and polar, at codon 247 of the SPAST protein (p.Pro247Arg). This variant is not present in population databases (gnomAD no frequency). This variant has not been reported in the literature in individuals affected with SPAST-related conditions. ClinVar contains an entry for this variant (Variation ID: 1401599). Invitae Evidence Modeling of protein sequence and biophysical properties (such as structural, functional, and spatial information, amino acid conservation, physicochemical variation, residue mobility, and thermodynamic stability) has been performed for this missense variant. However, the output from this modeling did not meet the statistical confidence thresholds required to predict the impact of this variant on SPAST protein function. In summary, the available evidence is currently insufficient to determine the role of this variant in disease. Therefore, it has been classified as a Variant of Uncertain Significance.

NM_014946.4(SPAST):c.740C>G (p.Pro247Arg)

Gene: SPAST (spastin; plus strand). Cytogenetic location: 2p22.3.
Variant type: single nucleotide variant.
Coding change: c.740C>G on transcript NM_014946.4 (MANE Select); coding-DNA position 740, C replaced by G.
Protein change: p.Pro247Arg; replaces proline 247 with arginine.
Molecular consequence: missense variant.
Genome position (GRCh38, 1-based): chr2:32,114,695, C>G. VCF-style: chr2-32114695-C-G. GRCh37 (hg19) VCF-style: chr2-32339764-C-G.
Other names: c.737C>G, p.Pro246Arg (NM_001363823.2); c.641C>G, p.Pro214Arg (NM_001363875.2); c.644C>G, p.Pro215Arg (NM_001377959.1, NM_199436.2); short protein forms P215R, P247R, P214R, P246R.
Identifiers: ClinVar variation 1401599 (VCV001401599.9), dbSNP rs1316217696, ClinGen allele CA346498440.